The following is an entry in ClinVar:

NM_000380.4(XPA):c.648_649del (p.Lys217fs)

Gene: XPA (XPA, DNA damage recognition and repair factor; minus strand). Cytogenetic location: 9q22.33.
Variant type: Deletion.
Coding change: c.648_649del on transcript NM_000380.4 (MANE Select); coding-DNA positions 648 to 649, 2 bases deleted (GA; older notation c.648_649delGA).
Protein change: p.Lys217fs; shifts the reading frame from lysine 217.
Molecular consequence: frameshift variant. On other transcripts: non-coding transcript variant (5).
Genome position (GRCh38, 1-based): chr9:97,684,947-97,684,948, TC deleted on the plus strand (GA on the coding strand, the reverse complement: XPA is on the minus strand); deleting any 2 consecutive bases within chr9:97,684,947-97,684,949 gives the same sequence; the c. name uses the placement nearest the transcript's 3' end. VCF-style (leftmost placement, unchanged base first): chr9-97684946-TTC-T. GRCh37 (hg19) VCF-style: chr9-100447228-TTC-T.
Other names: c.522_523del, p.Lys175fs (NM_001354975.2); c.648_649delGA (NM_000380.3); short protein forms K217fs, K175fs.
Identifiers: ClinVar variation 374933 (VCV000374933.15), dbSNP rs1057519018, ClinGen allele CA16043982.

ClinVar aggregate classification (germline): Pathogenic/Likely pathogenic. Review status: criteria provided, multiple submitters, no conflicts (2 of 4 stars). 7 submissions from 7 submitters: Pathogenic (5); Likely pathogenic (1). 1 of the submissions does not count toward it. Last evaluated 2025-07-09.

Conditions:
Xeroderma pigmentosum (XP). Identifiers: Orphanet 910, MedGen C0043346, MONDO:0019600.
Xeroderma pigmentosum group A (XPA). Also called: Xeroderma pigmentosum, complementation group A; XP, group A; XPA-Related Xeroderma Pigmentosum. Identifiers: Orphanet 910, MedGen C0268135, MONDO:0010210, OMIM 278700.

Submissions (7):

Victorian Clinical Genetics Services, Murdoch Childrens Research Institute
Classification: Pathogenic for Xeroderma pigmentosum group A. Last evaluated: 2025-07-09. Review status: criteria provided, single submitter. Criteria: ACMG Guidelines, 2015. Collection method: clinical testing. Allele origin: germline. Affected: no.
Comment: This variant is classified as Pathogenic. Evidence in support of pathogenic classification: Variant is predicted to result in a truncated protein (premature termination codon is NOT located at least 54 nucleotides upstream of the final exon-exon junction) with less than 1/3 of the protein sequence affected; Variant is present in gnomAD <0.01 for a recessive condition (v4: 2 heterozygote(s), 0 homozygote(s); This variant has moderate previous evidence of pathogenicity in unrelated individuals. This variant has been classified as likely pathogenic or pathogenic by clinical laboratories in ClinVar; Other protein truncating variants comparable to the one identified in this case have very strong previous evidence for pathogenicity (DECIPHER). Additional information: This variant is heterozygous; This gene is associated with autosomal recessive disease; Loss of function is a known mechanism of disease in this gene and is associated with xeroderma pigmentosum, group A (MIM#278700); Parental origin of the variant is unresolved.

Baylor Genetics
Classification: Pathogenic for Xeroderma pigmentosum group A. Last evaluated: 2024-02-16. Review status: criteria provided, single submitter. Criteria: ACMG Guidelines, 2015. Collection method: clinical testing. Allele origin: unknown.

Neuberg Centre For Genomic Medicine, NCGM
Classification: Pathogenic for Xeroderma pigmentosum group A. Last evaluated: 2024-02-01. Review status: criteria provided, single submitter. Criteria: ACMG Guidelines, 2015. Collection method: clinical testing. Allele origin: germline. Inheritance: Autosomal recessive inheritance.
Comment: The above variant has been previously reported in homozygous state in individuals affected with Xeroderma pigmentosum (Fassihi H, et al., 2016; Sun Z, et al., 2015). This variant has been observed to segregate with disease in related individuals. This variant causes a frameshift starting with codon Lysine 217, changes this amino acid to Glutamic Acid residue, and creates a premature Stop codon at position 3 of the new reading frame, denoted p.Lys217GlufsTer3. This variant is predicted to cause a loss of normal protein function through protein truncation. Loss of function variants in this gene has been previously reported to be disease-causing. Hence this variant is classified as Pathogenic.

Fulgent Genetics
Classification: Likely pathogenic for Xeroderma pigmentosum group A. Last evaluated: 2024-01-20. Review status: criteria provided, single submitter. Criteria: ACMG Guidelines, 2015. Collection method: clinical testing. Allele origin: germline.

Labcorp Genetics (formerly Invitae), Labcorp
Classification: Pathogenic. Last evaluated: 2023-04-18. Review status: criteria provided, single submitter. Criteria: Invitae Variant Classification Sherloc (09022015). Collection method: clinical testing. Allele origin: germline.
Comment: This premature translational stop signal has been observed in individuals with xeroderma pigmentosum (PMID: 25256075, 26884178). It has also been observed to segregate with disease in related individuals. ClinVar contains an entry for this variant (Variation ID: 374933). This variant disrupts a region of the XPA protein in which other variant(s) (p.Arg258Tyrfs*5) have been determined to be pathogenic (PMID: 31478152; Invitae). This suggests that this is a clinically significant region of the protein, and that variants that disrupt it are likely to be disease-causing. For these reasons, this variant has been classified as Pathogenic. This variant is present in population databases (no rsID available, gnomAD 0.006%). This sequence change creates a premature translational stop signal (p.Lys217Glufs*3) in the XPA gene. While this is not anticipated to result in nonsense mediated decay, it is expected to disrupt the last 57 amino acid(s) of the XPA protein.

Women's Health and Genetics/Laboratory Corporation of America, LabCorp
Classification: Pathogenic for Xeroderma pigmentosum. Last evaluated: 2022-05-16. Review status: criteria provided, single submitter. Criteria: LabCorp Variant Classification Summary - May 2015. Collection method: clinical testing. Allele origin: germline.
Comment: Variant summary: XPA c.648_649delGA (p.Lys217GlufsX3) results in a premature termination codon, predicted to cause a truncation of the encoded protein or absence of the protein due to nonsense mediated decay, which are commonly known mechanisms for disease. Truncations downstream of this position have been classified as pathogenic by our laboratory. The variant allele was found at a frequency of 4e-06 in 251216 control chromosomes. c.648_649delGA has been reported in the literature in multiple individuals affected with Xeroderma Pigmentosum (examples, States_1998, Sun_2015, Fassihi_2016, Zadori_2020, Zhang_2017). These data indicate that the variant is very likely to be associated with disease. Two clinical diagnostic laboratories have submitted clinical-significance assessments for this variant to ClinVar after 2014 without evidence for independent evaluation. All laboratories classified the variant as pathogenic/likely pathogenic. Based on the evidence outlined above, the variant was classified as pathogenic.

Foundation for Research in Genetics and Endocrinology, FRIGE's Institute of Human Genetics
Classification: Likely pathogenic for Xeroderma pigmentosum group A. Last evaluated: 2016-03-08. Review status: no assertion criteria provided. Collection method: research. Allele origin: germline. Inheritance: Autosomal recessive inheritance. Affected: yes. Observed: 1 variant allele, 1 homozygote. Not counted in ClinVar's aggregate classification.
Comment: Variant c.648_649 delGA was found to be pathogenic by Mutation Taster online software

Literature cited by the submitters: PubMed 25256075 (cited by Labcorp Genetics (formerly Invitae), Labcorp and Women's Health and Genetics/Laboratory Corporation of America, LabCorp); PubMed 26884178 (cited by Labcorp Genetics (formerly Invitae), Labcorp and Women's Health and Genetics/Laboratory Corporation of America, LabCorp); PubMed 31478152 (cited by Labcorp Genetics (formerly Invitae), Labcorp and Women's Health and Genetics/Laboratory Corporation of America, LabCorp); PubMed 9671271 (cited by Women's Health and Genetics/Laboratory Corporation of America, LabCorp); PubMed 27982466 (cited by Women's Health and Genetics/Laboratory Corporation of America, LabCorp).